The following is an entry in ClinVar:

ClinVar aggregate classification (germline): Likely benign. Review status: criteria provided, multiple submitters, no conflicts (2 of 4 stars). 3 submissions from 3 submitters: Likely benign (3). Last evaluated 2026-08-05.

Conditions:
TTN-related disorder. Also called: TTN-related disorders; TTN-related condition; TTN-related disease.
Cardiovascular phenotype. Identifiers: MedGen CN230736.
Autosomal recessive limb-girdle muscular dystrophy type 2J (LGMDR10). Also called: MUSCULAR DYSTROPHY, LIMB-GIRDLE, AUTOSOMAL RECESSIVE 10; Limb-girdle muscular dystrophy, type 2J. Identifiers: Orphanet 140922, MedGen C1837342, MONDO:0012127, OMIM 608807.
Dilated cardiomyopathy 1G (CMD1G). Identifiers: Orphanet 154, MedGen C1858763, MONDO:0011400, OMIM 604145.

Allele frequency attached by ClinVar (database versions not stated): gnomAD exomes below 0.00001; TOPMed 0.00002; gnomAD 0.00003.
gnomAD v4.1: 6 of 1,613,266 alleles (0.00037%); highest among the groups gnomAD compares: African/African-American, 0.0013%; no homozygotes.

Submissions (3):

PreventionGenetics, part of Exact Sciences
Classification: Likely benign for TTN-related condition. Last evaluated: 2026-08-05. Review status: criteria provided, single submitter. Criteria: ACMG Guidelines, 2015. Collection method: clinical testing. Allele origin: germline.
Comment: This variant is classified as likely benign based on ACMG/AMP sequence variant interpretation guidelines (Richards et al. 2015 PMID: 25741868, with internal and published modifications).

Labcorp Genetics (formerly Invitae), Labcorp
Classification: Likely benign for Dilated cardiomyopathy 1G; Autosomal recessive limb-girdle muscular dystrophy type 2J. Last evaluated: 2024-12-25. Review status: criteria provided, single submitter. Criteria: Invitae Variant Classification Sherloc (09022015). Collection method: clinical testing. Allele origin: germline.

Ambry Genetics
Classification: Likely benign for Cardiovascular phenotype. Last evaluated: 2020-03-12. Review status: criteria provided, single submitter. Criteria: Ambry Variant Classification Scheme 2023. Collection method: clinical testing. Allele origin: germline.

NM_001267550.2(TTN):c.62274G>A (p.Glu20758=)

Genes: TTN (titin; minus strand), TTN-AS1 (TTN antisense RNA 1; plus strand). Cytogenetic location: 2q31.2.
Variant type: single nucleotide variant.
Coding change: c.62274G>A on transcript NM_001267550.2 (MANE Select); coding-DNA position 62274, G replaced by A.
Protein change: p.Glu20758=; no amino-acid change (glutamic acid 20758 retained).
Molecular consequence: synonymous variant.
Genome position (GRCh38, 1-based): chr2:178,589,451, C>T on the plus strand (G>A on the coding strand, the complement: TTN is on the minus strand). VCF-style: chr2-178589451-C-T. GRCh37 (hg19) VCF-style: chr2-179454178-C-T.
Other names: c.57351G>A, p.Glu19117= (NM_001256850.1); c.35079G>A, p.Glu11693= (NM_003319.4); c.54570G>A, p.Glu18190= (NM_133378.4); c.35454G>A, p.Glu11818= (NM_133432.3); c.35655G>A, p.Glu11885= (NM_133437.4).
Identifiers: ClinVar variation 1595631 (VCV001595631.11), dbSNP rs1313786414, ClinGen allele CA430265590.